The following is an entry in ClinVar:

NM_001166108.2(PALLD):c.1965-12873C>G

Gene: PALLD (palladin, cytoskeletal associated protein; plus strand). Cytogenetic location: 4q32.3.
Variant type: single nucleotide variant.
Coding change: c.1965-12873C>G on transcript NM_001166108.2 (MANE Select); 12873 bases into the intron before coding-DNA position 1965, C replaced by G.
Molecular consequence: intron variant. On other transcripts: missense variant (1).
Genome position (GRCh38, 1-based): chr4:168,878,049, C>G. VCF-style: chr4-168878049-C-G. GRCh37 (hg19) VCF-style: chr4-169799200-C-G.
Other names: c.158C>G, p.Pro53Arg (NM_001166110.2); c.1965-12873C>G (NM_016081.4); c.819-12873C>G (NM_001166109.2); c.-157-12873C>G (NM_001367570.1, NM_001367568.1, NM_001367567.1 and 1 more transcripts); short protein forms P53R.
Identifiers: ClinVar variation 4130422 (VCV004130422.1).
Genomic context (GRCh38, chr4:168,878,049, plus strand): 5'-GGCCCGCGTCGGGCCACGGCACGCCGGCCTCCAGCCCCAGCTCGTCCAGCCTCCCGTCGC[C>G]CATGTCCCCGACGCCGAGGCAGTTCGGCCGCGCCCCCGTGCCGCCCTTCGCGCAGCCCTT-3'

ClinVar aggregate classification (germline): Uncertain significance (1 of 4 stars; one submission).

Submission:

Ambry Genetics
Classification: Uncertain significance. Last evaluated: 2025-08-02. Review status: criteria provided, single submitter. Criteria: Ambry Variant Classification Scheme 2023. Collection method: clinical testing. Allele origin: germline.
Comment: The p.P53R variant (also known as c.158C>G), located in coding exon 1 of the PALLD gene, results from a C to G substitution at nucleotide position 158. The proline at codon 53 is replaced by arginine, an amino acid with dissimilar properties. This amino acid position is conserved. In addition, this alteration is predicted to be tolerated by in silico analysis. Based on the available evidence, the clinical significance of this variant remains unclear.